The following is an entry in ClinVar:

ClinVar aggregate classification (germline): Likely benign. Review status: criteria provided, multiple submitters, no conflicts (2 of 4 stars). 6 submissions from 6 submitters: Likely benign (6). Last evaluated 2026-09-01.

Conditions:
Inborn genetic diseases. Identifiers: MedGen C0950123, MeSH D030342.
CHARGE syndrome (CHARGE). Also called: Hittner Hirsch Kreh syndrome; CHARGE ASSOCIATION--COLOBOMA, HEART ANOMALY, CHOANAL ATRESIA, RETARDATION, GENITAL AND EAR ANOMALIES; Coloboma, heart anomaly, choanal atresia, retardation, genital and ear anomalies; CHARGE association; Hall-Hittner syndrome. Identifiers: Orphanet 138, MedGen C0265354, MONDO:0008965.
CHD7-related disorder. Also called: CHD7-related condition.

Allele frequency attached by ClinVar (database versions not stated): gnomAD 0.00001 and 0.00003; TOPMed 0.00003; gnomAD exomes 0.00006 and 0.00013; ExAC 0.00012; 1000 Genomes Project 30x 0.00031; 1000 Genomes Project 0.00040.
gnomAD v4.1: 90 of 1,613,906 alleles (0.0056%); highest among the groups gnomAD compares: South Asian, 0.081%; no homozygotes.

Submissions (6):

CeGaT Center for Human Genetics Tuebingen
Classification: Likely benign. Last evaluated: 2026-09-01. Review status: criteria provided, single submitter. Criteria: CeGaT Center For Human Genetics Tuebingen Variant Classification Criteria Version 2. Collection method: clinical testing. Allele origin: germline. Affected: yes. Observed: 1 variant allele.
Comment: CHD7: BS1

Labcorp Genetics (formerly Invitae), Labcorp
Classification: Likely benign for CHARGE syndrome. Last evaluated: 2025-12-26. Review status: criteria provided, single submitter. Criteria: Invitae Variant Classification Sherloc (09022015). Collection method: clinical testing. Allele origin: germline.

PreventionGenetics, part of Exact Sciences
Classification: Likely benign for CHD7-related condition. Last evaluated: 2024-11-20. Review status: criteria provided, single submitter. Criteria: ACMG Guidelines, 2015. Collection method: clinical testing. Allele origin: germline.
Comment: This variant is classified as likely benign based on ACMG/AMP sequence variant interpretation guidelines (Richards et al. 2015 PMID: 25741868, with internal and published modifications).

Blueprint Genetics
Classification: Likely benign. Last evaluated: 2024-05-13. Review status: criteria provided, single submitter. Criteria: ACMG Guidelines, 2015. Collection method: clinical testing. Allele origin: germline.

Ambry Genetics
Classification: Likely benign for Inborn genetic diseases. Last evaluated: 2022-12-05. Review status: criteria provided, single submitter. Criteria: Ambry Variant Classification Scheme 2023. Collection method: clinical testing. Allele origin: germline.

GeneDx
Classification: Likely benign. Last evaluated: 2021-04-07. Review status: criteria provided, single submitter. Criteria: GeneDx Variant Classification Process June 2021. Collection method: clinical testing. Allele origin: germline. Affected: yes.

NM_017780.4(CHD7):c.884G>A (p.Arg295Gln)

Gene: CHD7 (chromodomain helicase DNA binding protein 7; plus strand). Cytogenetic location: 8q12.2.
Variant type: single nucleotide variant.
Coding change: c.884G>A on transcript NM_017780.4 (MANE Select); coding-DNA position 884, G replaced by A.
Protein change: p.Arg295Gln; replaces arginine 295 with glutamine.
Molecular consequence: missense variant.
Genome position (GRCh38, 1-based): chr8:60,742,316, G>A. VCF-style: chr8-60742316-G-A. GRCh37 (hg19) VCF-style: chr8-61654875-G-A.
Other names: c.884G>A, p.Arg295Gln (NM_001316690.1); c.884G>A (NM_017780.3); short protein forms R295Q.
Identifiers: ClinVar variation 1134962 (VCV001134962.16), dbSNP rs569799707, ClinGen allele CA4759398.
Genomic context (GRCh38, chr8:60,742,316, plus strand): 5'-TCTCCCCGAATCCTCCCCAACAAGGGGCTGTTAGGCCGCAAACCCTTAACTTTAGTTCTC[G>A]GAGCCAGACAGTCCCCTCTCCTACTATAAACAACTCAGGGCAGTATTCTCGATATCCTTA-3'
Protein context (NP_060250.2, residues 285-305): VRPQTLNFSS[Arg295Gln]SQTVPSPTIN